The following is an entry in ClinVar:

NM_000751.3(CHRND):c.158A>G (p.Asp53Gly)

Gene: CHRND (cholinergic receptor nicotinic delta subunit; plus strand). Cytogenetic location: 2q37.1.
Variant type: single nucleotide variant.
Coding change: c.158A>G on transcript NM_000751.3 (MANE Select); coding-DNA position 158, A replaced by G.
Protein change: p.Asp53Gly; replaces aspartic acid 53 with glycine.
Molecular consequence: missense variant. On other transcripts: 5 prime UTR variant (2).
Genome position (GRCh38, 1-based): chr2:232,526,634, A>G. VCF-style: chr2-232526634-A-G. GRCh37 (hg19) VCF-style: chr2-233391344-A-G.
Other names: c.158A>G, p.Asp53Gly (NM_001256657.2); c.-114A>G (NM_001311195.2, NM_001311196.2); short protein forms D53G.
Identifiers: ClinVar variation 2195901 (VCV002195901.4), dbSNP rs550396498, ClinGen allele CA2167912.

ClinVar aggregate classification (germline): Uncertain significance (1 of 4 stars; one submission).

Conditions:
Lethal multiple pterygium syndrome (LMPS). Identifiers: Orphanet 33108, MedGen C1854678, MONDO:0009668, OMIM 253290.

Allele frequency attached by ClinVar (database versions not stated): TOPMed 0.00001; gnomAD 0.00002; gnomAD exomes 0.00003; ExAC 0.00004; 1000 Genomes Project 30x 0.00016; 1000 Genomes Project 0.00020.
gnomAD v4.1: 19 of 1,613,626 alleles (0.0012%); highest among the groups gnomAD compares: Admixed American, 0.0083%; no homozygotes.

Submission:

Labcorp Genetics (formerly Invitae), Labcorp
Classification: Uncertain significance for Lethal multiple pterygium syndrome. Last evaluated: 2024-05-15. Review status: criteria provided, single submitter. Criteria: Invitae Variant Classification Sherloc (09022015). Collection method: clinical testing. Allele origin: germline.
Comment: This sequence change replaces aspartic acid, which is acidic and polar, with glycine, which is neutral and non-polar, at codon 53 of the CHRND protein (p.Asp53Gly). This variant is present in population databases (rs550396498, gnomAD 0.006%). This variant has not been reported in the literature in individuals affected with CHRND-related conditions. ClinVar contains an entry for this variant (Variation ID: 2195901). Advanced modeling of protein sequence and biophysical properties (such as structural, functional, and spatial information, amino acid conservation, physicochemical variation, residue mobility, and thermodynamic stability) performed at Invitae indicates that this missense variant is not expected to disrupt CHRND protein function with a negative predictive value of 80%. In summary, the available evidence is currently insufficient to determine the role of this variant in disease. Therefore, it has been classified as a Variant of Uncertain Significance.